The following is an entry in ClinVar:

ClinVar aggregate classification (germline): Uncertain significance (1 of 4 stars; one submission).

Allele frequency attached by ClinVar (database versions not stated): ExAC 0.00001; gnomAD 0.00001; gnomAD exomes 0.00001 and 0.00002.
gnomAD v4.1: 35 of 1,613,940 alleles (0.0022%); highest among the groups gnomAD compares: Non-Finnish European, 0.0026%; no homozygotes.

Submission:

Labcorp Genetics (formerly Invitae), Labcorp
Classification: Uncertain significance. Last evaluated: 2021-11-13. Review status: criteria provided, single submitter. Criteria: Invitae Variant Classification Sherloc (09022015). Collection method: clinical testing. Allele origin: germline.
Comment: In summary, the available evidence is currently insufficient to determine the role of this variant in disease. Therefore, it has been classified as a Variant of Uncertain Significance. Algorithms developed to predict the effect of missense changes on protein structure and function are either unavailable or do not agree on the potential impact of this missense change (SIFT: "Deleterious"; PolyPhen-2: "Probably Damaging"; Align-GVGD: "Class C15"). This variant has not been reported in the literature in individuals affected with RNF216-related conditions. This variant is present in population databases (rs757361864, gnomAD 0.004%). This sequence change replaces aspartic acid, which is acidic and polar, with asparagine, which is neutral and polar, at codon 438 of the RNF216 protein (p.Asp438Asn).

NM_207111.4(RNF216):c.1312G>A (p.Asp438Asn)

Gene: RNF216 (ring finger protein 216; minus strand). Cytogenetic location: 7p22.1.
Variant type: single nucleotide variant.
Coding change: c.1312G>A on transcript NM_207111.4 (MANE Select); coding-DNA position 1312, G replaced by A.
Protein change: p.Asp438Asn; replaces aspartic acid 438 with asparagine.
Molecular consequence: missense variant.
Genome position (GRCh38, 1-based): chr7:5,729,509, C>T on the plus strand (G>A on the coding strand, the complement: RNF216 is on the minus strand). VCF-style: chr7-5729509-C-T. GRCh37 (hg19) VCF-style: chr7-5769140-C-T.
Other names: c.1141G>A, p.Asp381Asn (NM_001377156.1, NM_207116.3); short protein forms D438N, D381N.
Identifiers: ClinVar variation 1421846 (VCV001421846.6), dbSNP rs757361864, ClinGen allele CA4148245.